The following is an entry in ClinVar:

ClinVar aggregate classification (germline): Uncertain significance (1 of 4 stars; one submission).

Allele frequency attached by ClinVar (database versions not stated): gnomAD exomes below 0.00001; TOPMed 0.00002; gnomAD 0.00003.
gnomAD v4.1: 5 of 1,613,458 alleles (0.00031%); highest among the groups gnomAD compares: African/African-American, 0.0053%; no homozygotes.

Submission:

Ambry Genetics
Classification: Uncertain significance. Last evaluated: 2024-07-20. Review status: criteria provided, single submitter. Criteria: Ambry Variant Classification Scheme 2023. Collection method: clinical testing. Allele origin: germline.
Comment: The p.G704A variant (also known as c.2111G>C), located in coding exon 12 of the PKP4 gene, results from a G to C substitution at nucleotide position 2111. The glycine at codon 704 is replaced by alanine, an amino acid with similar properties. This amino acid position is conserved. In addition, this alteration is predicted to be deleterious by in silico analysis. Since supporting evidence is limited at this time, the clinical significance of this alteration remains unclear.

NM_003628.6(PKP4):c.2111G>C (p.Gly704Ala)

Genes: PKP4 (plakophilin 4; plus strand), PKP4-AS1 (PKP4 antisense RNA 1; minus strand). Cytogenetic location: 2q24.1.
Variant type: single nucleotide variant.
Coding change: c.2111G>C on transcript NM_003628.6 (MANE Select); coding-DNA position 2111, G replaced by C.
Protein change: p.Gly704Ala; replaces glycine 704 with alanine.
Molecular consequence: missense variant. On other transcripts: non-coding transcript variant (1).
Genome position (GRCh38, 1-based): chr2:158,661,350, G>C. VCF-style: chr2-158661350-G-C. GRCh37 (hg19) VCF-style: chr2-159517862-G-C.
Other names: c.2111G>C, p.Gly704Ala (NM_001005476.4, NM_001304971.2, NM_001377218.1 and 1 more transcripts); c.2108G>C, p.Gly703Ala (NM_001304969.3, NM_001377219.1, NM_001377220.1 and 2 more transcripts); c.1082G>C, p.Gly361Ala (NM_001304970.3); c.2105G>C, p.Gly702Ala (NM_001377222.1, NM_001377223.1); c.2102G>C, p.Gly701Ala (NM_001377224.1); short protein forms G703A, G361A, G704A, G702A, G701A.
Identifiers: ClinVar variation 1786122 (VCV001786122.3), dbSNP rs1191988274, ClinGen allele CA348902271.